The following is an entry in ClinVar:

NM_020458.4(TTC7A):c.2407C>T (p.Arg803Cys)

Gene: TTC7A (tetratricopeptide repeat domain 7A; plus strand). Cytogenetic location: 2p21.
Variant type: single nucleotide variant.
Coding change: c.2407C>T on transcript NM_020458.4 (MANE Select); coding-DNA position 2407, C replaced by T.
Protein change: p.Arg803Cys; replaces arginine 803 with cysteine.
Molecular consequence: missense variant.
Genome position (GRCh38, 1-based): chr2:47,073,753, C>T. VCF-style: chr2-47073753-C-T. GRCh37 (hg19) VCF-style: chr2-47300892-C-T.
Other names: c.2479C>T, p.Arg827Cys (NM_001288951.2); c.2305C>T, p.Arg769Cys (NM_001288953.2); c.1345C>T, p.Arg449Cys (NM_001288955.2); c.2407C>T (NM_020458.2); short protein forms R449C, R803C, R827C, R769C.
Identifiers: ClinVar variation 1403295 (VCV001403295.7), dbSNP rs374843304, ClinGen allele CA1648150.

ClinVar aggregate classification (germline): Uncertain significance. Review status: criteria provided, multiple submitters, no conflicts (2 of 4 stars). 2 submissions from 2 submitters: Uncertain significance (2). Last evaluated 2024-02-24.

Conditions:
Multiple gastrointestinal atresias. Also called: FAMILIAL INTESTINAL POLYATRESIA SYNDROME; Multiple intestinal atresia. Identifiers: Orphanet 2300, MedGen C0220744, MONDO:0009465.
Inborn genetic diseases. Identifiers: MedGen C0950123, MeSH D030342.

Allele frequency attached by ClinVar (database versions not stated): gnomAD exomes 0.00005; ExAC 0.00006; ESP Exome Variant Server 0.00008; gnomAD 0.00008 and 0.00009; TOPMed 0.00012.
gnomAD v4.1: 35 of 1,613,690 alleles (0.0022%); highest among the groups gnomAD compares: African/African-American, 0.033%; no homozygotes.

Submissions (2):

Labcorp Genetics (formerly Invitae), Labcorp
Classification: Uncertain significance for Multiple gastrointestinal atresias. Last evaluated: 2024-02-24. Review status: criteria provided, single submitter. Criteria: Invitae Variant Classification Sherloc (09022015). Collection method: clinical testing. Allele origin: germline.
Comment: This sequence change replaces arginine, which is basic and polar, with cysteine, which is neutral and slightly polar, at codon 803 of the TTC7A protein (p.Arg803Cys). This variant is present in population databases (rs374843304, gnomAD 0.04%). This variant has not been reported in the literature in individuals affected with TTC7A-related conditions. ClinVar contains an entry for this variant (Variation ID: 1403295). Advanced modeling of protein sequence and biophysical properties (such as structural, functional, and spatial information, amino acid conservation, physicochemical variation, residue mobility, and thermodynamic stability) performed at Invitae indicates that this missense variant is expected to disrupt TTC7A protein function with a positive predictive value of 80%. In summary, the available evidence is currently insufficient to determine the role of this variant in disease. Therefore, it has been classified as a Variant of Uncertain Significance.

Ambry Genetics
Classification: Uncertain significance for Inborn genetic diseases. Last evaluated: 2024-01-23. Review status: criteria provided, single submitter. Criteria: Ambry Variant Classification Scheme 2023. Collection method: clinical testing. Allele origin: germline.